The following is an entry in ClinVar:

ClinVar aggregate classification (germline): Likely benign (1 of 4 stars; one submission).

Conditions:
PKD1-related disorder. Also called: PKD1-related condition.

gnomAD v4.1: 1 of 1,595,224 alleles (0.000063%); highest among the groups gnomAD compares: Non-Finnish European, 0.000085%; no homozygotes.

Submission:

PreventionGenetics, part of Exact Sciences
Classification: Likely benign for PKD1-related condition. Last evaluated: 2026-07-27. Review status: criteria provided, single submitter. Criteria: ACMG Guidelines, 2015. Collection method: clinical testing. Allele origin: germline.
Comment: This variant is classified as likely benign based on ACMG/AMP sequence variant interpretation guidelines (Richards et al. 2015 PMID: 25741868, with internal and published modifications).

NM_001009944.3(PKD1):c.7864-15C>T

Gene: PKD1 (polycystin 1, transient receptor potential channel interacting; minus strand). Cytogenetic location: 16p13.3.
Variant type: single nucleotide variant.
Coding change: c.7864-15C>T on transcript NM_001009944.3 (MANE Select); 15 bases into the intron before coding-DNA position 7864, C replaced by T.
Molecular consequence: intron variant.
Genome position (GRCh38, 1-based): chr16:2,105,489, G>A on the plus strand (C>T on the coding strand, the complement: PKD1 is on the minus strand). VCF-style: chr16-2105489-G-A. GRCh37 (hg19) VCF-style: chr16-2155490-G-A.
Other names: c.7864-15C>T (NM_000296.4).
Identifiers: ClinVar variation 4990191 (VCV004990191.1).
Genomic context (GRCh38, chr16:2,105,489, plus strand): 5'-GCCGCTCGTGCTTGGGCTCTGCCGCCACGTCCAGGGCCCGCTCGTACTGGGGCAGGCAGG[G>A]GGCACAGCAAGCTGTCAGCAGCGCAGGAGGCCGGCAGGAGGCCAGCAGATGCCCACGACT-3'